The following is an entry in ClinVar:

ClinVar aggregate classification (germline): Uncertain significance. Review status: criteria provided, multiple submitters, no conflicts (2 of 4 stars). 2 submissions from 2 submitters: Uncertain significance (2). Last evaluated 2025-02-25.

Conditions:
Inborn genetic diseases. Identifiers: MedGen C0950123, MeSH D030342.
Neonatal-onset encephalopathy with rigidity and seizures. Also called: Lethal neonatal spasticity-epileptic encephalopathy syndrome. Identifiers: Orphanet 435845, MedGen C3281029, MONDO:0013784, OMIM 614498.

Allele frequency attached by ClinVar (database versions not stated): ExAC 0.00001; gnomAD exomes 0.00002; TOPMed 0.00002; gnomAD 0.00003 and 0.00004.
gnomAD v4.1: 32 of 1,613,436 alleles (0.002%); highest among the groups gnomAD compares: African/African-American, 0.0027%; no homozygotes.

Submissions (2):

Ambry Genetics
Classification: Uncertain significance for Inborn genetic diseases. Last evaluated: 2025-02-25. Review status: criteria provided, single submitter. Criteria: Ambry Variant Classification Scheme 2023. Collection method: clinical testing. Allele origin: germline.

Labcorp Genetics (formerly Invitae), Labcorp
Classification: Uncertain significance for Neonatal-onset encephalopathy with rigidity and seizures. Last evaluated: 2025-01-06. Review status: criteria provided, single submitter. Criteria: Invitae Variant Classification Sherloc (09022015). Collection method: clinical testing. Allele origin: germline.
Comment: This sequence change replaces glycine, which is neutral and non-polar, with arginine, which is basic and polar, at codon 42 of the BRAT1 protein (p.Gly42Arg). This variant is present in population databases (rs760560621, gnomAD 0.005%). This variant has not been reported in the literature in individuals affected with BRAT1-related conditions. ClinVar contains an entry for this variant (Variation ID: 1396284). Invitae Evidence Modeling of protein sequence and biophysical properties (such as structural, functional, and spatial information, amino acid conservation, physicochemical variation, residue mobility, and thermodynamic stability) indicates that this missense variant is not expected to disrupt BRAT1 protein function with a negative predictive value of 95%. In summary, the available evidence is currently insufficient to determine the role of this variant in disease. Therefore, it has been classified as a Variant of Uncertain Significance.

NM_152743.4(BRAT1):c.124G>A (p.Gly42Arg)

Gene: BRAT1 (BRCA1 associated ATM activator 1; minus strand). Cytogenetic location: 7p22.3.
Variant type: single nucleotide variant.
Coding change: c.124G>A on transcript NM_152743.4 (MANE Select); coding-DNA position 124, G replaced by A.
Protein change: p.Gly42Arg; replaces glycine 42 with arginine.
Molecular consequence: missense variant. On other transcripts: non-coding transcript variant (1), 5 prime UTR variant (1).
Genome position (GRCh38, 1-based): chr7:2,554,308, C>T on the plus strand (G>A on the coding strand, the complement: BRAT1 is on the minus strand). VCF-style: chr7-2554308-C-T. GRCh37 (hg19) VCF-style: chr7-2593942-C-T.
Other names: c.124G>A (NM_152743.3); c.124G>A, p.Gly42Arg (NM_001350626.2); c.-254G>A (NM_001350627.2); short protein forms G42R.
Identifiers: ClinVar variation 1396284 (VCV001396284.8), dbSNP rs760560621, ClinGen allele CA4128318.